The following is an entry in ClinVar:

ClinVar aggregate classification (germline): Uncertain significance (1 of 4 stars; one submission).

Conditions:
Nephronophthisis. Also called: Juvenile Nephronophthisis. Identifiers: Orphanet 655, MedGen C0687120, MONDO:0019005, HP:0000090.

Allele frequency attached by ClinVar (database versions not stated): gnomAD exomes 0.00005 and 0.00019; gnomAD 0.00006 and 0.00011; ESP Exome Variant Server 0.00008; TOPMed 0.00012; ExAC 0.00018; 1000 Genomes Project 30x 0.00062; 1000 Genomes Project 0.00080.
gnomAD v4.1: 104 of 1,546,714 alleles (0.0067%); highest among the groups gnomAD compares: East Asian, 0.13%; no homozygotes.

Submission:

Labcorp Genetics (formerly Invitae), Labcorp
Classification: Uncertain significance for Nephronophthisis. Last evaluated: 2022-08-15. Review status: criteria provided, single submitter. Criteria: Invitae Variant Classification Sherloc (09022015). Collection method: clinical testing. Allele origin: germline.
Comment: This sequence change falls in intron 10 of the IQCB1 gene. It does not directly change the encoded amino acid sequence of the IQCB1 protein. It affects a nucleotide within the consensus splice site. This variant is present in population databases (rs188368640, gnomAD 0.2%). This variant has not been reported in the literature in individuals affected with IQCB1-related conditions. ClinVar contains an entry for this variant (Variation ID: 862132). Variants that disrupt the consensus splice site are a relatively common cause of aberrant splicing (PMID: 17576681, 9536098). Algorithms developed to predict the effect of sequence changes on RNA splicing suggest that this variant is not likely to affect RNA splicing. In summary, the available evidence is currently insufficient to determine the role of this variant in disease. Therefore, it has been classified as a Variant of Uncertain Significance.

Literature cited by the submitters: PubMed 17576681; PubMed 9536098.

NM_001023570.4(IQCB1):c.986+5A>C

Gene: IQCB1 (IQ motif containing B1; minus strand). Cytogenetic location: 3q13.33.
Variant type: single nucleotide variant.
Coding change: c.986+5A>C on transcript NM_001023570.4 (MANE Select); 5 bases into the intron after coding-DNA position 986, A replaced by C.
Molecular consequence: intron variant.
Genome position (GRCh38, 1-based): chr3:121,795,452, T>G on the plus strand (A>C on the coding strand, the complement: IQCB1 is on the minus strand). VCF-style: chr3-121795452-T-G. GRCh37 (hg19) VCF-style: chr3-121514299-T-G.
Other names: c.986+5A>C (NM_001319107.2); c.588-5237A>C (NM_001023571.4).
Identifiers: ClinVar variation 862132 (VCV000862132.4), dbSNP rs188368640, ClinGen allele CA2567236.